The following is an entry in ClinVar:

NM_052947.4(ALPK2):c.4373A>G (p.Gln1458Arg)

Genes: ALPK2 (alpha kinase 2; minus strand), LOC126862764 (BRD4-independent group 4 enhancer GRCh37_chr18:56202574-56203773; plus strand). Cytogenetic location: 18q21.31.
Variant type: single nucleotide variant.
Coding change: c.4373A>G on transcript NM_052947.4 (MANE Select); coding-DNA position 4373, A replaced by G.
Protein change: p.Gln1458Arg; replaces glutamine 1458 with arginine.
Molecular consequence: missense variant.
Genome position (GRCh38, 1-based): chr18:58,535,814, T>C on the plus strand (A>G on the coding strand, the complement: ALPK2 is on the minus strand). VCF-style: chr18-58535814-T-C. GRCh37 (hg19) VCF-style: chr18-56203046-T-C.
Other names: short protein forms Q1458R.
Identifiers: ClinVar variation 1740103 (VCV001740103.2), dbSNP rs952883819, ClinGen allele CA402562915.

ClinVar aggregate classification (germline): Uncertain significance (1 of 4 stars; one submission).

Submission:

Ambry Genetics
Classification: Uncertain significance. Last evaluated: 2022-08-19. Review status: criteria provided, single submitter. Criteria: Ambry Variant Classification Scheme 2023. Collection method: clinical testing. Allele origin: germline.
Comment: The p.Q1458R variant (also known as c.4373A>G), located in coding exon 4 of the ALPK2 gene, results from an A to G substitution at nucleotide position 4373. The glutamine at codon 1458 is replaced by arginine, an amino acid with highly similar properties. This amino acid position is conserved. In addition, this alteration is predicted to be tolerated by in silico analysis. Since supporting evidence is limited at this time, the clinical significance of this alteration remains unclear.